The following is an entry in ClinVar:

ClinVar aggregate classification (germline): Benign. Review status: criteria provided, multiple submitters, no conflicts (2 of 4 stars). 2 submissions from 2 submitters: Benign (2). Last evaluated 2018-06-14.

Allele frequency attached by ClinVar (database versions not stated): TOPMed 0.75608; gnomAD 0.75697 and 0.76912; 1000 Genomes Project 30x 0.76577; 1000 Genomes Project 0.77576; gnomAD exomes 0.88805.
gnomAD v4.1: 734,013 of 847,166 alleles (87%); highest among the groups gnomAD compares: East Asian, 96%; 324,702 homozygotes.

Submissions (2):

GeneDx
Classification: Benign. Last evaluated: 2018-06-14. Review status: criteria provided, single submitter. Criteria: GeneDx Variant Classification (06012015). Collection method: clinical testing. Allele origin: germline. Affected: yes.
Comment: This variant is considered likely benign or benign based on one or more of the following criteria: it is a conservative change, it occurs at a poorly conserved position in the protein, it is predicted to be benign by multiple in silico algorithms, and/or has population frequency not consistent with disease.

Breakthrough Genomics
Classification: Benign. Review status: criteria provided, single submitter. Criteria: ACMG Guidelines, 2015. Collection method: not provided. Allele origin: germline. Inheritance: Autosomal recessive inheritance. Affected: yes.

NM_000334.4(SCN4A):c.1453-132C>A

Gene: SCN4A (sodium voltage-gated channel alpha subunit 4; minus strand). Cytogenetic location: 17q23.3.
Variant type: single nucleotide variant.
Coding change: c.1453-132C>A on transcript NM_000334.4 (MANE Select); 132 bases into the intron before coding-DNA position 1453, C replaced by A.
Molecular consequence: intron variant.
Genome position (GRCh38, 1-based): chr17:63,963,957, G>T on the plus strand (C>A on the coding strand, the complement: SCN4A is on the minus strand). VCF-style: chr17-63963957-G-T. GRCh37 (hg19) VCF-style: chr17-62041317-G-T.
Identifiers: ClinVar variation 669352 (VCV000669352.2), dbSNP rs2331408, ClinGen allele CA15909795.